The following is an entry in ClinVar:

NM_001364905.1(LRBA):c.2932G>A (p.Asp978Asn)

Gene: LRBA (LPS responsive beige-like anchor protein; minus strand). Cytogenetic location: 4q31.3.
Variant type: single nucleotide variant.
Coding change: c.2932G>A on transcript NM_001364905.1 (MANE Select); coding-DNA position 2932, G replaced by A.
Protein change: p.Asp978Asn; replaces aspartic acid 978 with asparagine.
Molecular consequence: missense variant.
Genome position (GRCh38, 1-based): chr4:150,852,778, C>T on the plus strand (G>A on the coding strand, the complement: LRBA is on the minus strand). VCF-style: chr4-150852778-C-T. GRCh37 (hg19) VCF-style: chr4-151773930-C-T.
Other names: c.2932G>A, p.Asp978Asn (NM_001199282.3, NM_001367550.1, NM_006726.5); short protein forms D978N.
Identifiers: ClinVar variation 842869 (VCV000842869.10), dbSNP rs1750764386, ClinGen allele CA358460185.

ClinVar aggregate classification (germline): Uncertain significance (1 of 4 stars; one submission).

Conditions:
Combined immunodeficiency due to LRBA deficiency. Also called: Common variable immunodeficiency 8, with autoimmunity. Identifiers: Orphanet 445018, MedGen C3553512, MONDO:0013863, OMIM 614700.

Submission:

Labcorp Genetics (formerly Invitae), Labcorp
Classification: Uncertain significance for Combined immunodeficiency due to LRBA deficiency. Last evaluated: 2021-06-24. Review status: criteria provided, single submitter. Criteria: Invitae Variant Classification Sherloc (09022015). Collection method: clinical testing. Allele origin: germline.
Comment: In summary, the available evidence is currently insufficient to determine the role of this variant in disease. Therefore, it has been classified as a Variant of Uncertain Significance. Algorithms developed to predict the effect of missense changes on protein structure and function output the following: SIFT: "Tolerated"; PolyPhen-2: "Benign"; Align-GVGD: "Class C0". The asparagine amino acid residue is found in multiple mammalian species, suggesting that this missense change does not adversely affect protein function. These predictions have not been confirmed by published functional studies and their clinical significance is uncertain. This variant has not been reported in the literature in individuals with LRBA-related conditions. This variant is not present in population databases (ExAC no frequency). This sequence change replaces aspartic acid with asparagine at codon 978 of the LRBA protein (p.Asp978Asn). The aspartic acid residue is weakly conserved and there is a small physicochemical difference between aspartic acid and asparagine.